The following is an entry in ClinVar:

NM_017739.4(POMGNT1):c.1395G>C (p.Lys465Asn)

Genes: POMGNT1 (protein O-linked mannose N-acetylglucosaminyltransferase 1 (beta 1,2-); minus strand), TSPAN1 (tetraspanin 1; plus strand). Cytogenetic location: 1p34.1.
Variant type: single nucleotide variant.
Coding change: c.1395G>C on transcript NM_017739.4 (MANE Select); coding-DNA position 1395, G replaced by C.
Protein change: p.Lys465Asn; replaces lysine 465 with asparagine.
Molecular consequence: missense variant.
Genome position (GRCh38, 1-based): chr1:46,192,326, C>G on the plus strand (G>C on the coding strand, the complement: POMGNT1 is on the minus strand). VCF-style: chr1-46192326-C-G. GRCh37 (hg19) VCF-style: chr1-46657998-C-G.
Other names: c.1395G>C, p.Lys465Asn (NM_001243766.2, NM_001410783.1); c.1329G>C, p.Lys443Asn (NM_001290129.3); c.966G>C, p.Lys322Asn (NM_001290130.2); short protein forms K322N, K443N, K465N.
Identifiers: ClinVar variation 847443 (VCV000847443.7), dbSNP rs1657843296, ClinGen allele CA340174890.
Genomic context (GRCh38, chr1:46,192,326, plus strand): 5'-TGGTAGGGGACTCCAGCCCCCTCACCCTACCCTGACAGTTACCTTTTCCGGTGTAGGCCA[C>G]TTGGGCTCAAGCTCCTCCTTGTACAAGGACCTCCTGAGCACCCAGCCCAGCCCAGGCATG-3'
Protein context (NP_060209.4, residues 455-475): RSLYKEELEP[Lys465Asn]WPTPEKLWDW

ClinVar aggregate classification (germline): Uncertain significance. Review status: criteria provided, single submitter (1 of 4 stars). 2 submissions from 2 submitters: Uncertain significance (1). 1 of the submissions does not count toward it. Last evaluated 2024-10-25.

Conditions:
Autosomal recessive limb-girdle muscular dystrophy type 2O. Also called: MUSCULAR DYSTROPHY-DYSTROGLYCANOPATHY (LIMB-GIRDLE), TYPE C, 3; MUSCULAR DYSTROPHY-DYSTROGLYCANOPATHY, LIMB-GIRDLE, POMGNT1-RELATED; Limb-Girdle Muscular Dystrophy Type 3C. Identifiers: Orphanet 206564, MedGen C3150417, MONDO:0013161, OMIM 613157.
Muscular dystrophy-dystroglycanopathy (congenital with impaired intellectual development), type B, 3. Also called: MUSCULAR DYSTROPHY, CONGENITAL, POMGNT1-RELATED; Muscular dystrophy-dystroglycanopathy (congenital with intellectual disability), type B3. Identifiers: MedGen C3150412, MONDO:0013155, OMIM 613151.
Muscle eye brain disease (MEB). Also called: Santavuori congenital muscular dystrophy. Identifiers: Orphanet 588, Orphanet 899, MedGen C0457133, MONDO:0018939.

Allele frequency attached by ClinVar (database versions not stated): gnomAD exomes below 0.00001.
gnomAD v4.1: 2 of 1,614,180 alleles (0.00012%); highest among the groups gnomAD compares: Admixed American, 0.0033%; no homozygotes.

Submissions (2):

Labcorp Genetics (formerly Invitae), Labcorp
Classification: Uncertain significance for Autosomal recessive limb-girdle muscular dystrophy type 2O; Muscular dystrophy-dystroglycanopathy (congenital with impaired intellectual development), type B, 3. Last evaluated: 2024-10-25. Review status: criteria provided, single submitter. Criteria: Invitae Variant Classification Sherloc (09022015). Collection method: clinical testing. Allele origin: germline.
Comment: This sequence change replaces lysine, which is basic and polar, with asparagine, which is neutral and polar, at codon 465 of the POMGNT1 protein (p.Lys465Asn). This variant is not present in population databases (gnomAD no frequency). This variant has not been reported in the literature in individuals affected with POMGNT1-related conditions. ClinVar contains an entry for this variant (Variation ID: 847443). Invitae Evidence Modeling of protein sequence and biophysical properties (such as structural, functional, and spatial information, amino acid conservation, physicochemical variation, residue mobility, and thermodynamic stability) indicates that this missense variant is not expected to disrupt POMGNT1 protein function with a negative predictive value of 95%. In summary, the available evidence is currently insufficient to determine the role of this variant in disease. Therefore, it has been classified as a Variant of Uncertain Significance.

Natera, Inc.
Classification: Uncertain significance for Muscle-eye-brain disease. Last evaluated: 2021-08-13. Review status: no assertion criteria provided. Collection method: clinical testing. Allele origin: germline. Not counted in ClinVar's aggregate classification.